The following is an entry in ClinVar:

NM_020754.4(ARHGAP31):c.2333C>T (p.Ser778Phe)

Gene: ARHGAP31 (Rho GTPase activating protein 31; plus strand). Cytogenetic location: 3q13.33.
Variant type: single nucleotide variant.
Coding change: c.2333C>T on transcript NM_020754.4 (MANE Select); coding-DNA position 2333, C replaced by T.
Protein change: p.Ser778Phe; replaces serine 778 with phenylalanine.
Molecular consequence: missense variant.
Genome position (GRCh38, 1-based): chr3:119,414,262, C>T. VCF-style: chr3-119414262-C-T. GRCh37 (hg19) VCF-style: chr3-119133109-C-T.
Other names: short protein forms S778F.
Identifiers: ClinVar variation 4887413 (VCV004887413.1).
Genomic context (GRCh38, chr3:119,414,262, plus strand): 5'-TTCCTTTTGAGAAGGCATCTCCACAAGCAACAGTGGAAGTAGGAGGCCCAGGCAATCTGT[C>T]TCCTCCACTCCCACCTGCTCCTCCCCCTCCAACTCCTCTGGAGGAGTCAACTCCAGTCCT-3'
Protein context (NP_065805.2, residues 768-788): TVEVGGPGNL[Ser778Phe]PPLPPAPPPP

ClinVar aggregate classification (germline): Uncertain significance (1 of 4 stars; one submission).

Submission:

Women's Health and Genetics/Laboratory Corporation of America, LabCorp
Classification: Uncertain significance. Last evaluated: 2026-06-09. Review status: criteria provided, single submitter. Criteria: LabCorp Variant Classification Summary - May 2015. Collection method: clinical testing. Allele origin: germline.
Comment: Variant summary: ARHGAP31 c.2333C>T (p.Ser778Phe) results in a non-conservative amino acid change in the encoded protein sequence. Algorithms developed to predict the effect of missense changes on protein structure and function are either unavailable or do not agree on the potential impact of this missense change. The variant was absent in 249148 control chromosomes. The available data on variant occurrences in the general population are insufficient to allow any conclusion about variant significance. To our knowledge, no occurrence of c.2333C>T in individuals affected with ARHGAP31-related conditions and no experimental evidence demonstrating its impact on protein function have been reported. No submitters have cited clinical-significance assessments for this variant to ClinVar. Based on the evidence outlined above, the variant was classified as uncertain significance.